The following is an entry in ClinVar:

NM_000062.3(SERPING1):c.781C>T (p.Leu261Phe)

Gene: SERPING1 (serpin family G member 1; plus strand). Cytogenetic location: 11q12.1.
Variant type: single nucleotide variant.
Coding change: c.781C>T on transcript NM_000062.3 (MANE Select); coding-DNA position 781, C replaced by T.
Protein change: p.Leu261Phe; replaces leucine 261 with phenylalanine.
Molecular consequence: missense variant.
Genome position (GRCh38, 1-based): chr11:57,606,105, C>T. VCF-style: chr11-57606105-C-T. GRCh37 (hg19) VCF-style: chr11-57373578-C-T.
Other names: c.781C>T, p.Leu261Phe (NM_001032295.2); short protein forms L261F.
Identifiers: ClinVar variation 1386423 (VCV001386423.6), dbSNP rs1326562515, ClinGen allele CA380699167.

ClinVar aggregate classification (germline): Uncertain significance (1 of 4 stars; one submission).

Allele frequency attached by ClinVar (database versions not stated): gnomAD exomes below 0.00001; TOPMed below 0.00001.

Submission:

Labcorp Genetics (formerly Invitae), Labcorp
Classification: Uncertain significance. Last evaluated: 2024-10-16. Review status: criteria provided, single submitter. Criteria: Invitae Variant Classification Sherloc (09022015). Collection method: clinical testing. Allele origin: germline.
Comment: This sequence change replaces leucine, which is neutral and non-polar, with phenylalanine, which is neutral and non-polar, at codon 261 of the SERPING1 protein (p.Leu261Phe). This variant is not present in population databases (gnomAD no frequency). This variant has not been reported in the literature in individuals affected with SERPING1-related conditions. ClinVar contains an entry for this variant (Variation ID: 1386423). An algorithm developed to predict the effect of missense changes on protein structure and function outputs the following: PolyPhen-2: "Benign". The phenylalanine amino acid residue is found in multiple mammalian species, which suggests that this missense change does not adversely affect protein function. In summary, the available evidence is currently insufficient to determine the role of this variant in disease. Therefore, it has been classified as a Variant of Uncertain Significance.